The following is an entry in ClinVar:

ClinVar aggregate classification (germline): Uncertain significance (1 of 4 stars; one submission).

Conditions:
Hereditary cancer-predisposing syndrome. Also called: Hereditary Cancer Syndrome; Hereditary neoplastic syndrome; Neoplastic Syndromes, Hereditary; Tumor predisposition. Identifiers: Orphanet 140162, MedGen C0027672, MeSH D009386, MONDO:0015356.

Submission:

Ambry Genetics
Classification: Uncertain significance for Hereditary cancer-predisposing syndrome. Last evaluated: 2022-02-13. Review status: criteria provided, single submitter. Criteria: Ambry Variant Classification Scheme 2023. Collection method: clinical testing. Allele origin: germline.
Comment: The p.A190V variant (also known as c.569C>T), located in coding exon 3 of the TMEM127 gene, results from a C to T substitution at nucleotide position 569. The alanine at codon 190 is replaced by valine, an amino acid with similar properties. This amino acid position is conserved. In addition, this alteration is predicted to be deleterious by in silico analysis. Since supporting evidence is limited at this time, the clinical significance of this alteration remains unclear.

NM_017849.4(TMEM127):c.569C>T (p.Ala190Val)

Gene: TMEM127 (transmembrane protein 127; minus strand). Cytogenetic location: 2q11.2.
Variant type: single nucleotide variant.
Coding change: c.569C>T on transcript NM_017849.4 (MANE Select); coding-DNA position 569, C replaced by T.
Protein change: p.Ala190Val; replaces alanine 190 with valine.
Molecular consequence: missense variant.
Genome position (GRCh38, 1-based): chr2:96,253,956, G>A on the plus strand (C>T on the coding strand, the complement: TMEM127 is on the minus strand). VCF-style: chr2-96253956-G-A. GRCh37 (hg19) VCF-style: chr2-96919694-G-A.
Other names: c.569C>T, p.Ala190Val (NM_001193304.3); c.317C>T, p.Ala106Val (NM_001407282.1, NM_001407283.1); short protein forms A106V, A190V.
Identifiers: ClinVar variation 1749128 (VCV001749128.2), dbSNP rs2104284000, ClinGen allele CA347652307.
Genomic context (GRCh38, chr2:96,253,956, plus strand): 5'-AGCTCCAGCGCCTGCTCCTCTTCCTCTGTGGGGTAGTGGCGCAGGAGGTTGGCTGCCGTG[G>A]CCAGGATTGAGGCTCCACCAGCTCCTGCCACCAGGTAGAAGCTAACGGCGAAGGTGACAT-3'
Protein context (NP_060319.1, residues 180-200): VAGAGGASIL[Ala190Val]TAANLLRHYP